The following is an entry in ClinVar:

NM_181789.4(GLDN):c.1316C>T (p.Ala439Val)

Gene: GLDN (gliomedin; plus strand). Cytogenetic location: 15q21.2.
Variant type: single nucleotide variant.
Coding change: c.1316C>T on transcript NM_181789.4 (MANE Select); coding-DNA position 1316, C replaced by T.
Protein change: p.Ala439Val; replaces alanine 439 with valine.
Molecular consequence: missense variant.
Genome position (GRCh38, 1-based): chr15:51,404,414, C>T. VCF-style: chr15-51404414-C-T. GRCh37 (hg19) VCF-style: chr15-51696611-C-T.
Other names: c.944C>T, p.Ala315Val (NM_001330297.2); short protein forms A315V, A439V.
Identifiers: ClinVar variation 3031329 (VCV003031329.2), dbSNP rs138258126, ClinGen allele CA7560728.

ClinVar aggregate classification (germline): Likely benign (0 of 4 stars; one submission).

Conditions:
GLDN-related disorder. Also called: GLDN-related condition.

Allele frequency attached by ClinVar (database versions not stated): gnomAD 0.00007; ESP Exome Variant Server 0.00008; 1000 Genomes Project 30x 0.00016; TOPMed 0.00017; 1000 Genomes Project 0.00020; ExAC 0.00030.
gnomAD v4.1: 116 of 1,614,096 alleles (0.0072%); highest among the groups gnomAD compares: Admixed American, 0.17%; 1 homozygote.

Submission:

PreventionGenetics, part of Exact Sciences
Classification: Likely benign for GLDN-related condition. Last evaluated: 2023-09-08. Review status: no assertion criteria provided. Collection method: clinical testing. Allele origin: germline.
Comment: This variant is classified as likely benign based on ACMG/AMP sequence variant interpretation guidelines (Richards et al. 2015 PMID: 25741868, with internal and published modifications).